The following is an entry in ClinVar:

ClinVar aggregate classification (germline): Uncertain significance (1 of 4 stars; one submission).

Submission:

Labcorp Genetics (formerly Invitae), Labcorp
Classification: Uncertain significance. Last evaluated: 2024-04-27. Review status: criteria provided, single submitter. Criteria: Invitae Variant Classification Sherloc (09022015). Collection method: clinical testing. Allele origin: germline.
Comment: This sequence change replaces alanine, which is neutral and non-polar, with aspartic acid, which is acidic and polar, at codon 237 of the NPAT protein (p.Ala237Asp). This variant is not present in population databases (gnomAD no frequency). This variant has not been reported in the literature in individuals affected with NPAT-related conditions. An algorithm developed to predict the effect of missense changes on protein structure and function (PolyPhen-2) suggests that this variant is likely to be tolerated. In summary, the available evidence is currently insufficient to determine the role of this variant in disease. Therefore, it has been classified as a Variant of Uncertain Significance.

NM_002519.3(NPAT):c.710C>A (p.Ala237Asp)

Gene: NPAT (nuclear protein, coactivator of histone transcription; minus strand). Cytogenetic location: 11q22.3.
Variant type: single nucleotide variant.
Coding change: c.710C>A on transcript NM_002519.3 (MANE Select); coding-DNA position 710, C replaced by A.
Protein change: p.Ala237Asp; replaces alanine 237 with aspartic acid.
Molecular consequence: missense variant.
Genome position (GRCh38, 1-based): chr11:108,186,498, G>T on the plus strand (C>A on the coding strand, the complement: NPAT is on the minus strand). VCF-style: chr11-108186498-G-T. GRCh37 (hg19) VCF-style: chr11-108057225-G-T.
Other names: c.710C>A, p.Ala237Asp (NM_001321307.1); short protein forms A237D.
Identifiers: ClinVar variation 3617926 (VCV003617926.2).
Genomic context (GRCh38, chr11:108,186,498, plus strand): 5'-ACTCAGGAATATTTTAAGTTGCAAAGTTTGGCAGAGTCACTTACTTTTTCTACTGCAAAA[G>T]CGTTTGGATCTTGGAAATTCCGTATTGTTGAATGAGGGCCAGACAAAGTGGTACTTTTTC-3'
Protein context (NP_002510.2, residues 227-247): STIRNFQDPN[Ala237Asp]FAVEKQMVIE